The following is an entry in ClinVar:

NM_017780.4(CHD7):c.3523G>A (p.Val1175Met)

Gene: CHD7 (chromodomain helicase DNA binding protein 7; plus strand). Cytogenetic location: 8q12.2.
Variant type: single nucleotide variant.
Coding change: c.3523G>A on transcript NM_017780.4 (MANE Select); coding-DNA position 3523, G replaced by A.
Protein change: p.Val1175Met; replaces valine 1175 with methionine.
Molecular consequence: missense variant. On other transcripts: intron variant (1).
Genome position (GRCh38, 1-based): chr8:60,830,322, G>A. VCF-style: chr8-60830322-G-A. GRCh37 (hg19) VCF-style: chr8-61742881-G-A.
Other names: c.1717-31907G>A (NM_001316690.1); short protein forms V1175M.
Identifiers: ClinVar variation 1304783 (VCV001304783.2), dbSNP rs2150764579, ClinGen allele CA371314828.
Genomic context (GRCh38, chr8:60,830,322, plus strand): 5'-AATATGTTTTAACTTGCAAGCAAATCATGACACTAGTATTTACTTAAGGTCCTTTTTTAG[G>A]TGCAAAAACTTCAAGCTATTCTAAAGCCAATGATGTTGAGACGTCTCAAAGAGGATGTAG-3'
Protein context (NP_060250.2, residues 1165-1185): EFGDLKTEEQ[Val1175Met]QKLQAILKPM

ClinVar aggregate classification (germline): Uncertain significance (1 of 4 stars; one submission).

Submission:

GeneDx
Classification: Uncertain significance. Last evaluated: 2019-07-24. Review status: criteria provided, single submitter. Criteria: GeneDx Variant Classification Process June 2021. Collection method: clinical testing. Allele origin: germline. Affected: yes.
Comment: Not observed in large population cohorts (Lek et al., 2016); In silico analysis, which includes protein predictors and evolutionary conservation, supports a deleterious effect; Has not been previously published as pathogenic or benign to our knowledge